The following is an entry in ClinVar:

NM_199420.4(POLQ):c.271A>G (p.Lys91Glu)

Gene: POLQ (DNA polymerase theta; minus strand). Cytogenetic location: 3q13.33.
Variant type: single nucleotide variant.
Coding change: c.271A>G on transcript NM_199420.4 (MANE Select); coding-DNA position 271, A replaced by G.
Protein change: p.Lys91Glu; replaces lysine 91 with glutamic acid.
Molecular consequence: missense variant.
Genome position (GRCh38, 1-based): chr3:121,544,799, T>C on the plus strand (A>G on the coding strand, the complement: POLQ is on the minus strand). VCF-style: chr3-121544799-T-C. GRCh37 (hg19) VCF-style: chr3-121263646-T-C.
Other names: short protein forms K91E.
Identifiers: ClinVar variation 1795148 (VCV001795148.2), dbSNP rs2546827922, ClinGen allele CA354094534.

ClinVar aggregate classification (germline): Uncertain significance (1 of 4 stars; one submission).

Submission:

Ambry Genetics
Classification: Uncertain significance. Last evaluated: 2022-09-11. Review status: criteria provided, single submitter. Criteria: Ambry Variant Classification Scheme 2023. Collection method: clinical testing. Allele origin: germline.
Comment: The p.K91E variant (also known as c.271A>G), located in coding exon 2 of the POLQ gene, results from an A to G substitution at nucleotide position 271. The lysine at codon 91 is replaced by glutamic acid, an amino acid with similar properties. This amino acid position is conserved. In addition, this alteration is predicted to be tolerated by in silico analysis. Since supporting evidence is limited at this time, the clinical significance of this alteration remains unclear.